The following is an entry in ClinVar:

NM_014681.6(DHX34):c.2289T>C (p.Ser763=)

Gene: DHX34 (DExH-box helicase 34; plus strand). Cytogenetic location: 19q13.32.
Variant type: single nucleotide variant.
Coding change: c.2289T>C on transcript NM_014681.6 (MANE Select); coding-DNA position 2289, T replaced by C.
Protein change: p.Ser763=; no amino-acid change (serine 763 retained).
Molecular consequence: synonymous variant.
Genome position (GRCh38, 1-based): chr19:47,375,690, T>C. VCF-style: chr19-47375690-T-C. GRCh37 (hg19) VCF-style: chr19-47878947-T-C.
Identifiers: ClinVar variation 2650147 (VCV002650147.24), dbSNP rs199976902, ClinGen allele CA9538424.
Genomic context (GRCh38, chr19:47,375,690, plus strand): 5'-GGAGCAGGACGGCGGCTCCAGTGACGAGGACAGGGCTGGCCCAGCCCCCCCAGGGGCCAG[T>C]GATGGCGTGGACATCCAGGTGGGCGCCATGGGCTGTGGGGTGTGGGGGTTTACCAAGGTG-3'
Protein context (NP_055496.2, residues 753-773): DRAGPAPPGA[Ser763=]DGVDIQDVKF

ClinVar aggregate classification (germline): Likely benign (1 of 4 stars; one submission).

Allele frequency attached by ClinVar (database versions not stated): gnomAD exomes 0.00002; ExAC 0.00023; ESP Exome Variant Server 0.00025; gnomAD 0.00029; TOPMed 0.00040; 1000 Genomes Project 0.00100; 1000 Genomes Project 30x 0.00109.
gnomAD v4.1: 80 of 1,558,518 alleles (0.0051%); highest among the groups gnomAD compares: African/African-American, 0.065%; 1 homozygote.

Submission:

CeGaT Center for Human Genetics Tuebingen
Classification: Likely benign. Last evaluated: 2022-09-01. Review status: criteria provided, single submitter. Criteria: CeGaT Center For Human Genetics Tuebingen Variant Classification Criteria Version 2. Collection method: clinical testing. Allele origin: germline. Affected: yes. Observed: 1 variant allele.
Comment: DHX34: BP4, BP7